The following is an entry in ClinVar:

NM_001080826.3(PRAG1):c.327G>A (p.Ser109=)

Gene: PRAG1 (PEAK1 related, kinase-activating pseudokinase 1). Cytogenetic location: 8p23.1.
Variant type: single nucleotide variant.
Coding change: c.327G>A on transcript NM_001080826.3 (MANE Select); coding-DNA position 327, G replaced by A.
Protein change: p.Ser109=; no amino-acid change (serine 109 retained).
Molecular consequence: synonymous variant. On other transcripts: non-coding transcript variant (1).
Genome position (GRCh38, 1-based): chr8:8,381,421, C>T on the plus strand (G>A on the coding strand, the complement: PRAG1 is on the minus strand). VCF-style: chr8-8381421-C-T. GRCh37 (hg19) VCF-style: chr8-8238931-C-T.
Other names: c.327G>A, p.Ser109= (NM_001369759.1).
Identifiers: ClinVar variation 2658373 (VCV002658373.24), dbSNP rs117472899, ClinGen allele CA4618324.

ClinVar aggregate classification (germline): Likely benign (1 of 4 stars; one submission).

Allele frequency attached by ClinVar (database versions not stated): 1000 Genomes Project 0.00060; 1000 Genomes Project 30x 0.00062; ESP Exome Variant Server 0.00171; gnomAD 0.00216; TOPMed 0.00230; ExAC 0.00234.

Submission:

CeGaT Center for Human Genetics Tuebingen
Classification: Likely benign. Last evaluated: 2022-08-01. Review status: criteria provided, single submitter. Criteria: CeGaT Center For Human Genetics Tuebingen Variant Classification Criteria Version 2. Collection method: clinical testing. Allele origin: germline. Affected: yes. Observed: 1 variant allele.
Comment: PRAG1: BP4, BP7